The following is an entry in ClinVar:

ClinVar aggregate classification (germline): Pathogenic. Review status: criteria provided, multiple submitters, no conflicts (2 of 4 stars). 4 submissions from 4 submitters: Pathogenic (2). 2 of the submissions do not count toward it. Last evaluated 2025-08-18.

Conditions:
Metachromatic leukodystrophy (MLD). Also called: ARSA DEFICIENCY; CEREBROSIDE SULFATASE DEFICIENCY; METACHROMATIC LEUKOENCEPHALOPATHY; Cerebral sclerosis diffuse metachromatic form; Arylsulfatase A Deficiency; SULFATIDE LIPIDOSIS. Identifiers: Orphanet 512, MedGen C0023522, MONDO:0018868, OMIM 250100.

Allele frequency attached by ClinVar (database versions not stated): gnomAD exomes below 0.00001.
gnomAD v4.1: 1 of 1,612,346 alleles (0.000062%); highest among the groups gnomAD compares: Non-Finnish European, 0.000085%; no homozygotes.

Submissions (4):

Labcorp Genetics (formerly Invitae), Labcorp
Classification: Pathogenic for Metachromatic leukodystrophy. Last evaluated: 2025-08-18. Review status: criteria provided, single submitter. Criteria: Invitae Variant Classification Sherloc (09022015). Collection method: clinical testing. Allele origin: germline.
Comment: This sequence change replaces glycine, which is neutral and non-polar, with aspartic acid, which is acidic and polar, at codon 310 of the ARSA protein (p.Gly310Asp). This variant is not present in population databases (gnomAD no frequency). This missense change has been observed in individual(s) with clinical features of metachromatic leukodystrophy (PMID: 10477432; internal data). In at least one individual the data is consistent with being in trans (on the opposite chromosome) from a pathogenic variant. This variant is also known as p.Gly308Asp. ClinVar contains an entry for this variant (Variation ID: 68163). Invitae Evidence Modeling of protein sequence and biophysical properties (such as structural, functional, and spatial information, amino acid conservation, physicochemical variation, residue mobility, and thermodynamic stability) indicates that this missense variant is expected to disrupt ARSA protein function with a positive predictive value of 95%. This variant disrupts the p.Gly310 amino acid residue in ARSA. Other variant(s) that disrupt this residue have been observed in individuals with ARSA-related conditions (PMID: 8891236, 10477432; internal data), which suggests that this may be a clinically significant amino acid residue. For these reasons, this variant has been classified as Pathogenic.

Women's Health and Genetics/Laboratory Corporation of America, LabCorp
Classification: Pathogenic for Metachromatic leukodystrophy. Last evaluated: 2025-07-11. Review status: criteria provided, single submitter. Criteria: LabCorp Variant Classification Summary - May 2015. Collection method: clinical testing. Allele origin: germline.
Comment: Variant summary: ARSA c.929G>A (p.Gly310Asp) results in a non-conservative amino acid change in the encoded protein sequence. Algorithms developed to predict the effect of missense changes on protein structure and function all suggest that this variant is likely to be disruptive. The variant was absent in 244576 control chromosomes. c.929G>A has been reported in the literature in individuals affected with Metachromatic Leukodystrophy (Gort_1999, Li_2024, internal data). These data indicate that the variant may be associated with disease. At least 3 variant sat the Gly310 residue have been reported as associated with disease in ClinVar (G310S, G310V, G310C), suggesting that this codon is functionally important. To our knowledge, no experimental evidence demonstrating an impact on protein function has been reported. The following publications have been ascertained in the context of this evaluation (PMID: 10477432, 38775997). ClinVar contains an entry for this variant (Variation ID: 68163). Based on the evidence outlined above, the variant was classified as pathogenic.

Natera, Inc.
Classification: Uncertain significance for Metachromatic leukodystrophy. Last evaluated: 2020-09-16. Review status: no assertion criteria provided. Collection method: clinical testing. Allele origin: germline. Not counted in ClinVar's aggregate classification.

UniProtKB/Swiss-Prot
No classification provided. Review status: no classification provided. Collection method: not provided. Allele origin: not provided. Not counted in ClinVar's aggregate classification.

Literature cited by the submitters: PubMed 10477432 (cited by Labcorp Genetics (formerly Invitae), Labcorp and Women's Health and Genetics/Laboratory Corporation of America, LabCorp); PubMed 8891236 (cited by Labcorp Genetics (formerly Invitae), Labcorp); PubMed 38775997 (cited by Women's Health and Genetics/Laboratory Corporation of America, LabCorp).

NM_000487.6(ARSA):c.929G>A (p.Gly310Asp)

Gene: ARSA (arylsulfatase A; minus strand). Cytogenetic location: 22q13.33.
Variant type: single nucleotide variant.
Coding change: c.929G>A on transcript NM_000487.6 (MANE Select); coding-DNA position 929, G replaced by A.
Protein change: p.Gly310Asp; replaces glycine 310 with aspartic acid.
Molecular consequence: missense variant.
Genome position (GRCh38, 1-based): chr22:50,626,204, C>T on the plus strand (G>A on the coding strand, the complement: ARSA is on the minus strand). VCF-style: chr22-50626204-C-T. GRCh37 (hg19) VCF-style: chr22-51064632-C-T.
Other names: c.929G>A, p.Gly310Asp (NM_001085425.3, NM_001085426.3, NM_001085427.3); c.671G>A, p.Gly224Asp (NM_001085428.3, NM_001362782.2); short protein forms G310D, G224D.
Identifiers: ClinVar variation 68163 (VCV000068163.9), dbSNP rs199476356, ClinGen allele CA219082.